The following is an entry in ClinVar:

ClinVar aggregate classification (germline): Benign/Likely benign. Review status: criteria provided, multiple submitters, no conflicts (2 of 4 stars). 6 submissions from 6 submitters: Benign (1); Likely benign (5). Last evaluated 2025-03-05.

Conditions:
Hereditary cancer-predisposing syndrome. Also called: Tumor predisposition; Hereditary Cancer Syndrome; Hereditary neoplastic syndrome; Neoplastic Syndromes, Hereditary. Identifiers: Orphanet 140162, MedGen C0027672, MeSH D009386, MONDO:0015356.
Classic or attenuated familial adenomatous polyposis. Identifiers: MedGen CN372698, MONDO:0021057.
Familial adenomatous polyposis 1 (FAP1). Also called: FAMILIAL ADENOMATOUS POLYPOSIS 1, ATTENUATED; POLYPOSIS, ADENOMATOUS INTESTINAL. Identifiers: MedGen C2713442, MONDO:0021056, OMIM 175100. Disease mechanism: loss of function.

Allele frequency attached by ClinVar (database versions not stated): gnomAD exomes below 0.00001.
gnomAD v4.1: 1 of 1,614,186 alleles (0.000062%); highest among the groups gnomAD compares: Admixed American, 0.0017%; no homozygotes.

Submissions (6):

Labcorp Genetics (formerly Invitae), Labcorp
Classification: Likely benign for Familial adenomatous polyposis 1. Last evaluated: 2025-03-05. Review status: criteria provided, single submitter. Criteria: Invitae Variant Classification Sherloc (09022015). Collection method: clinical testing. Allele origin: germline.

Myriad Genetics, Inc.
Classification: Benign for Familial adenomatous polyposis 1. Last evaluated: 2024-03-18. Review status: criteria provided, single submitter. Criteria: Myriad Autosomal Dominant, Autosomal Recessive and X-Linked Classification Criteria (2023). Collection method: clinical testing. Allele origin: unknown.
Comment: This variant is considered benign. This variant is a silent/synonymous amino acid change and it is not expected to impact splicing.

All of Us Research Program, National Institutes of Health
Classification: Likely benign for Classic or attenuated familial adenomatous polyposis. Last evaluated: 2023-07-13. Review status: criteria provided, single submitter. Criteria: ACMG Guidelines, 2015. Collection method: clinical testing. Allele origin: germline. Inheritance: Autosomal dominant inheritance. Observed: 1 variant allele, 1 heterozygote.
Comment: This study involves interpretation of variants in research participants for the purpose of population health screening. Participant phenotype was not available at the time of variant classification. Additional details can be found in publication PMID: 35346344, PMCID: PMC8962531

Sema4
Classification: Likely benign for Hereditary cancer-predisposing syndrome. Last evaluated: 2021-10-07. Review status: criteria provided, single submitter. Criteria: Sema4 Curation Guidelines. Collection method: curation. Allele origin: germline.

Ambry Genetics
Classification: Likely benign for Hereditary cancer-predisposing syndrome. Last evaluated: 2019-09-01. Review status: criteria provided, single submitter. Criteria: Ambry Variant Classification Scheme 2023. Collection method: clinical testing. Allele origin: germline.

Color Diagnostics, LLC DBA Color Health
Classification: Likely benign for Hereditary cancer-predisposing syndrome. Last evaluated: 2017-12-24. Review status: criteria provided, single submitter. Criteria: ACMG Guidelines, 2015. Collection method: clinical testing. Allele origin: germline.

NM_000038.6(APC):c.3150A>G (p.Ala1050=)

Gene: APC (APC regulator of Wnt signaling pathway; plus strand). Cytogenetic location: 5q22.2.
Variant type: single nucleotide variant.
Coding change: c.3150A>G on transcript NM_000038.6 (MANE Select); coding-DNA position 3150, A replaced by G.
Protein change: p.Ala1050=; no amino-acid change (alanine 1050 retained).
Molecular consequence: synonymous variant.
Genome position (GRCh38, 1-based): chr5:112,838,744, A>G. VCF-style: chr5-112838744-A-G. GRCh37 (hg19) VCF-style: chr5-112174441-A-G.
Other names: c.3150A>G, p.Ala1050= (NM_001127510.3, NM_001354895.2); c.3096A>G, p.Ala1032= (NM_001127511.3); c.3204A>G, p.Ala1068= (NM_001354896.2); c.3180A>G, p.Ala1060= (NM_001354897.2); c.3075A>G, p.Ala1025= (NM_001354898.2); c.3066A>G, p.Ala1022= (NM_001354899.2); c.3027A>G, p.Ala1009= (NM_001354900.2); c.2973A>G, p.Ala991= (NM_001354901.2); and 5 more.
Identifiers: ClinVar variation 537630 (VCV000537630.18), dbSNP rs1554084742, ClinGen allele CA445963204.